The following continues an entry in ClinVar:

NM_001370658.1(BTD):c.908A>G (p.His303Arg)

Gene: BTD. ClinVar aggregate classification (germline): Conflicting classifications of pathogenicity. Pathogenic (4); Likely pathogenic (6); Uncertain significance (8).

Submissions 11 to 19 of 19:

Quest Diagnostics Nichols Institute San Juan Capistrano
Classification: Uncertain significance. Last evaluated: 2022-11-15. Review status: criteria provided, single submitter. Criteria: Quest Diagnostics criteria. Collection method: clinical testing. Allele origin: unknown.
Comment: The variant has been described in two heterozygous cases with a severe genotype (PMID: 33217065 (2021)). Analysis of this variant using bioinformatics tools for the prediction of the effect of amino acid changes on protein structure and function yielded predictions that this variant is damaging. Taking into account the available information, we are unable to determine the clinical significance of this variant.

Department of Pathology and Laboratory Medicine, Sinai Health System
Classification: Uncertain significance for biotinidase deficiency. Last evaluated: 2022-11-04. Review status: criteria provided, single submitter. Criteria: ACMG Guidelines, 2015. Collection method: research. Allele origin: germline.

Labcorp Genetics (formerly Invitae), Labcorp
Classification: Uncertain significance for Biotinidase deficiency. Last evaluated: 2022-10-17. Review status: criteria provided, single submitter. Criteria: Invitae Variant Classification Sherloc (09022015). Collection method: clinical testing. Allele origin: germline.
Comment: This sequence change replaces histidine, which is basic and polar, with arginine, which is basic and polar, at codon 323 of the BTD protein (p.His323Arg). This variant is present in population databases (rs397507176, gnomAD 1.7%), and has an allele count higher than expected for a pathogenic variant. This missense change has been observed in individuals with partial BTD deficiency who showed 10-30% of normal BTD enzymatic activity (PMID: 9654207, 26361991). ClinVar contains an entry for this variant (Variation ID: 38278). Advanced modeling of protein sequence and biophysical properties (such as structural, functional, and spatial information, amino acid conservation, physicochemical variation, residue mobility, and thermodynamic stability) performed at Invitae indicates that this missense variant is expected to disrupt BTD protein function. Experimental studies have shown that this missense change affects BTD function (PMID: 9654207, 24797656). In summary, the available evidence is currently insufficient to determine the role of this variant in disease. Therefore, it has been classified as a Variant of Uncertain Significance.

Baylor Genetics
Classification: Pathogenic for Biotinidase deficiency. Last evaluated: 2022-05-31. Review status: criteria provided, single submitter. Criteria: ACMG Guidelines, 2015. Collection method: clinical testing. Allele origin: unknown.

Ambry Genetics
Classification: Likely pathogenic for Inborn genetic diseases. Last evaluated: 2021-09-21. Review status: criteria provided, single submitter. Criteria: Ambry Variant Classification Scheme 2023. Collection method: clinical testing. Allele origin: germline.
Comment: The c.968A>G (p.H323R) alteration is located in coding exon 4 of the BTD gene. This alteration results from an A to G substitution at nucleotide position 968, causing the histidine (H) at amino acid position 323 to be replaced by an arginine (R). The BTD c.968A>G alteration has been reported previously in the compound heterozygous state in multiple individuals with enzyme levels consistent with partial biotinidase deficiency (Swango, 1998; Li, 2014, Gannavarapu, 2015; Wiltink, 2016; Mardhiah, 2020). The c.968A>G (p.H323R) alteration is considered a hypomorphic allele and only causes disease when in trans with a more severe allele (Lek, 2015). Based on the available evidence, this alteration is classified as likely pathogenic.

Mendelics
Classification: Uncertain significance for Biotinidase deficiency. Last evaluated: 2019-05-28. Review status: criteria provided, single submitter. Criteria: Mendelics Assertion Criteria 2017. Collection method: clinical testing. Allele origin: unknown.

Eurofins Ntd Llc (ga)
Classification: Uncertain significance. Last evaluated: 2012-12-10. Review status: criteria provided, single submitter. Criteria: EGL Classification Definitions 2015. Collection method: clinical testing. Allele origin: germline. Observed: 1 variant allele, 1 heterozygote.

Neuberg Centre For Genomic Medicine, NCGM
Classification: Pathogenic for Biotinidase deficiency. Review status: criteria provided, single submitter. Criteria: ACMG Guidelines, 2015. Collection method: clinical testing. Allele origin: germline. Inheritance: Autosomal dominant inheritance. Affected: yes.

Natera, Inc.
Classification: Uncertain significance for Biotinidase deficiency. Last evaluated: 2017-09-25. Review status: no assertion criteria provided. Collection method: clinical testing. Allele origin: germline. Not counted in ClinVar's aggregate classification.

Literature cited by the submitters: PubMed 26589311 (cited by Women's Health and Genetics/Laboratory Corporation of America, LabCorp); PubMed 9654207 (cited by 5 submitters); PubMed 33217065 (cited by Women's Health and Genetics/Laboratory Corporation of America, LabCorp and Quest Diagnostics Nichols Institute San Juan Capistrano); PubMed 32300527 (cited by 4 submitters); PubMed 35195902 (cited by Women's Health and Genetics/Laboratory Corporation of America, LabCorp and Victorian Clinical Genetics Services, Murdoch Childrens Research Institute); PubMed 38141137 (cited by Women's Health and Genetics/Laboratory Corporation of America, LabCorp and Victorian Clinical Genetics Services, Murdoch Childrens Research Institute); PubMed 38299772 (cited by Women's Health and Genetics/Laboratory Corporation of America, LabCorp); PubMed 41002989 (cited by Women's Health and Genetics/Laboratory Corporation of America, LabCorp); PubMed 27329734 (cited by 3 submitters); PubMed 20301497 (cited by Victorian Clinical Genetics Services, Murdoch Childrens Research Institute); PubMed 28498829 (cited by Victorian Clinical Genetics Services, Murdoch Childrens Research Institute); PubMed 26361991 (cited by 4 submitters); PubMed 24066991 (cited by Quest Diagnostics Nichols Institute San Juan Capistrano); PubMed 24797656 (cited by 3 submitters); PubMed 27535533 (cited by Quest Diagnostics Nichols Institute San Juan Capistrano and Ambry Genetics).